The following is an entry in ClinVar:

NM_005216.5(DDOST):c.352+9G>A

Gene: DDOST (dolichyl-diphosphooligosaccharide--protein glycosyltransferase non-catalytic subunit; minus strand). Cytogenetic location: 1p36.12.
Variant type: single nucleotide variant.
Coding change: c.352+9G>A on transcript NM_005216.5 (MANE Select); 9 bases into the intron after coding-DNA position 352, G replaced by A.
Molecular consequence: intron variant.
Genome position (GRCh38, 1-based): chr1:20,656,092, C>T on the plus strand (G>A on the coding strand, the complement: DDOST is on the minus strand). VCF-style: chr1-20656092-C-T. GRCh37 (hg19) VCF-style: chr1-20982585-C-T.
Identifiers: ClinVar variation 295155 (VCV000295155.13), dbSNP rs367895981, ClinGen allele CA661280.

ClinVar aggregate classification (germline): Likely benign. Review status: criteria provided, multiple submitters, no conflicts (2 of 4 stars). 2 submissions from 2 submitters: Likely benign (2). Last evaluated 2025-10-01.

Conditions:
Congenital disorder of glycosylation type Ir (CDG1R). Also called: DDOST-congenital disorder of glycosylation. Identifiers: Orphanet 300536, MedGen C3281084, MONDO:0013789, OMIM 614507.

Allele frequency attached by ClinVar (database versions not stated): ExAC 0.00007; ESP Exome Variant Server 0.00008; gnomAD exomes 0.00009 and 0.00015; gnomAD 0.00024 and 0.00025; TOPMed 0.00038.
gnomAD v4.1: 158 of 1,610,608 alleles (0.0098%); highest among the groups gnomAD compares: Admixed American, 0.12%; no homozygotes.

Submissions (2):

Labcorp Genetics (formerly Invitae), Labcorp
Classification: Likely benign for Congenital disorder of glycosylation type Ir. Last evaluated: 2025-10-01. Review status: criteria provided, single submitter. Criteria: Invitae Variant Classification Sherloc (09022015). Collection method: clinical testing. Allele origin: germline.

GeneDx
Classification: Likely benign. Last evaluated: 2016-08-08. Review status: criteria provided, single submitter. Criteria: GeneDx Variant Classification (06012015). Collection method: clinical testing. Allele origin: germline. Affected: yes.
Comment: This variant is considered likely benign or benign based on one or more of the following criteria: it is a conservative change, it occurs at a poorly conserved position in the protein, it is predicted to be benign by multiple in silico algorithms, and/or has population frequency not consistent with disease.